The following is an entry in ClinVar:

NM_206933.4(USH2A):c.5095C>A (p.Gln1699Lys)

Genes: USH2A (usherin; minus strand), USH2A-AS2 (USH2A antisense RNA 2; plus strand). Cytogenetic location: 1q41.
Variant type: single nucleotide variant.
Coding change: c.5095C>A on transcript NM_206933.4 (MANE Select); coding-DNA position 5095, C replaced by A.
Protein change: p.Gln1699Lys; replaces glutamine 1699 with lysine.
Molecular consequence: missense variant.
Genome position (GRCh38, 1-based): chr1:216,084,770, G>T on the plus strand (C>A on the coding strand, the complement: USH2A is on the minus strand). VCF-style: chr1-216084770-G-T. GRCh37 (hg19) VCF-style: chr1-216258112-G-T.
Other names: short protein forms Q1699K.
Identifiers: ClinVar variation 1314897 (VCV001314897.7), dbSNP rs1351926905, ClinGen allele CA344858982.

ClinVar aggregate classification (germline): Uncertain significance. Review status: criteria provided, multiple submitters, no conflicts (2 of 4 stars). 4 submissions from 3 submitters: Uncertain significance (4). Last evaluated 2024-06-16.

Conditions:
Retinitis pigmentosa 39 (RP39). Identifiers: Orphanet 791, MedGen C3151138, MONDO:0013436, OMIM 613809.
Usher syndrome type 2A. Also called: RETINAL DISEASE IN USHER SYNDROME TYPE IIA, MODIFIER OF; USHER SYNDROME, TYPE IIA. Identifiers: Orphanet 231178, Orphanet 886, MedGen C1848634, MONDO:0010169, OMIM 276901.

Allele frequency attached by ClinVar (database versions not stated): gnomAD exomes below 0.00001 and 0.00001; gnomAD 0.00002 and 0.00003; TOPMed 0.00003.
gnomAD v4.1: 8 of 1,613,418 alleles (0.0005%); highest among the groups gnomAD compares: African/African-American, 0.008%; no homozygotes.

Submissions (4):

Labcorp Genetics (formerly Invitae), Labcorp
Classification: Uncertain significance. Last evaluated: 2024-06-16. Review status: criteria provided, single submitter. Criteria: Invitae Variant Classification Sherloc (09022015). Collection method: clinical testing. Allele origin: germline.
Comment: This sequence change replaces glutamine, which is neutral and polar, with lysine, which is basic and polar, at codon 1699 of the USH2A protein (p.Gln1699Lys). This variant is present in population databases (no rsID available, gnomAD 0.01%). This variant has not been reported in the literature in individuals affected with USH2A-related conditions. ClinVar contains an entry for this variant (Variation ID: 1314897). Advanced modeling of protein sequence and biophysical properties (such as structural, functional, and spatial information, amino acid conservation, physicochemical variation, residue mobility, and thermodynamic stability) performed at Invitae indicates that this missense variant is not expected to disrupt USH2A protein function with a negative predictive value of 95%. In summary, the available evidence is currently insufficient to determine the role of this variant in disease. Therefore, it has been classified as a Variant of Uncertain Significance.

Genome-Nilou Lab
Classification: Uncertain significance for Retinitis pigmentosa 39. Last evaluated: 2023-11-04. Review status: criteria provided, single submitter. Criteria: ACMG Guidelines, 2015. Collection method: clinical testing. Allele origin: germline. Affected: no.

Genome-Nilou Lab
Classification: Uncertain significance for Usher syndrome type 2A. Last evaluated: 2023-11-04. Review status: criteria provided, single submitter. Criteria: ACMG Guidelines, 2015. Collection method: clinical testing. Allele origin: germline. Affected: no.

GeneDx
Classification: Uncertain significance. Last evaluated: 2021-04-28. Review status: criteria provided, single submitter. Criteria: GeneDx Variant Classification Process June 2021. Collection method: clinical testing. Allele origin: germline. Affected: yes.
Comment: In silico analysis supports that this missense variant does not alter protein structure/function; Has not been previously published as pathogenic or benign to our knowledge